The following is an entry in ClinVar:

NM_022455.5(NSD1):c.6475T>C (p.Cys2159Arg)

Gene: NSD1 (nuclear receptor binding SET domain protein 1; plus strand). Cytogenetic location: 5q35.3.
Variant type: single nucleotide variant.
Coding change: c.6475T>C on transcript NM_022455.5 (MANE Select); coding-DNA position 6475, T replaced by C.
Protein change: p.Cys2159Arg; replaces cysteine 2159 with arginine.
Molecular consequence: missense variant.
Genome position (GRCh38, 1-based): chr5:177,293,843, T>C. VCF-style: chr5-177293843-T-C. GRCh37 (hg19) VCF-style: chr5-176720844-T-C.
Other names: c.5602T>C, p.Cys1868Arg (NM_001365684.2, NM_001409308.1, NM_172349.5); c.6475T>C, p.Cys2159Arg (NM_001409301.1, NM_001409302.1, NM_001409303.1); c.6055T>C, p.Cys2019Arg (NM_001409304.1); c.5722T>C, p.Cys1908Arg (NM_001409305.1); c.5713T>C, p.Cys1905Arg (NM_001409306.1, NM_001409307.1); c.5353T>C, p.Cys1785Arg (NM_001409309.1); short protein forms C2159R, C1890R, C2019R, C1785R, C1868R, C1905R, C1908R.
Identifiers: ClinVar variation 1467953 (VCV001467953.9), dbSNP rs1760056582, ClinGen allele CA362323266.

ClinVar aggregate classification (germline): Conflicting classifications of pathogenicity. Review status: criteria provided, conflicting classifications (1 of 4 stars). 2 submissions from 2 submitters: Likely pathogenic (1); Uncertain significance (1). Last evaluated 2025-04-15.

Submissions (2):

GeneDx
Classification: Uncertain significance. Last evaluated: 2025-04-15. Review status: criteria provided, single submitter. Criteria: GeneDx Variant Classification Process June 2021. Collection method: clinical testing. Allele origin: germline. Affected: yes.
Comment: Not observed at significant frequency in large population cohorts (gnomAD); In silico analysis supports that this missense variant has a deleterious effect on protein structure/function; Has not been previously published as pathogenic or benign to our knowledge

Labcorp Genetics (formerly Invitae), Labcorp
Classification: Likely pathogenic. Last evaluated: 2021-06-19. Review status: criteria provided, single submitter. Criteria: Invitae Variant Classification Sherloc (09022015). Collection method: clinical testing. Allele origin: germline.
Comment: In summary, the currently available evidence indicates that the variant is pathogenic, but additional data are needed to prove that conclusively. Therefore, this variant has been classified as Likely Pathogenic. This variant disrupts the p.Cys2159 amino acid residue in NSD1. Other variant(s) that disrupt this residue have been determined to be pathogenic (Invitae). This suggests that this residue is clinically significant, and that variants that disrupt this residue are likely to be disease-causing. Advanced modeling of protein sequence and biophysical properties (such as structural, functional, and spatial information, amino acid conservation, physicochemical variation, residue mobility, and thermodynamic stability) performed at Invitae indicates that this missense variant is expected to disrupt NSD1 protein function. This variant has not been reported in the literature in individuals with NSD1-related conditions. This variant is not present in population databases (ExAC no frequency). This sequence change replaces cysteine with arginine at codon 2159 of the NSD1 protein (p.Cys2159Arg). The cysteine residue is highly conserved and there is a large physicochemical difference between cysteine and arginine.